The following is an entry in ClinVar:

NM_001242896.3(DEPDC5):c.3987_3988insA (p.Phe1330fs)

Gene: DEPDC5 (DEP domain containing 5, GATOR1 subcomplex subunit; plus strand). Cytogenetic location: 22q12.3.
Variant type: Insertion.
Coding change: c.3987_3988insA on transcript NM_001242896.3 (MANE Select); coding-DNA positions 3987 to 3988, A inserted.
Protein change: p.Phe1330fs; shifts the reading frame from phenylalanine 1330.
Molecular consequence: frameshift variant. On other transcripts: non-coding transcript variant (5).
Genome position: GRCh38 VCF-style: chr22-31879706-C-CA. GRCh37 (hg19) VCF-style: chr22-32275692-C-CA.
Other names: c.3960_3961insA, p.Phe1321fs (NM_001136029.4); c.3687_3688insA, p.Phe1230fs (NM_001242897.2); c.3921_3922insA, p.Phe1308fs (NM_001363852.2, NM_001364320.2); c.3753_3754insA, p.Phe1252fs (NM_001363854.2, NM_001364319.2); c.3987_3988insA, p.Phe1330fs (NM_001364318.2); c.3903_3904insA, p.Phe1302fs (NM_001369901.1, NM_001369902.1); c.3894_3895insA, p.Phe1299fs (NM_001369903.1, NM_014662.6); short protein forms F1252fs, F1302fs, F1308fs, F1321fs, F1230fs, F1299fs, F1330fs.
Identifiers: ClinVar variation 2077380 (VCV002077380.4), dbSNP rs2522695366, ClinGen allele CA2580099620.
Genomic context (GRCh38, chr22:31,879,706, plus strand): 5'-TGCCTTTCTCCTGCCCTGGCTGCCTAGCCGGCCAGCCTCCTATGCAAGTAGGCACAGCTC[C>CA]TTTAGCCGAAGTTTTGGAGGACGGAGCCAGGCGGCAGCACTTTTAGGTACATGCTCAACC-3'

ClinVar aggregate classification (germline): Pathogenic (1 of 4 stars; one submission).

Conditions:
Familial focal epilepsy with variable foci (FPEVF). Identifiers: Orphanet 98820, MedGen C1858477, MONDO:0020310.

Submission:

Labcorp Genetics (formerly Invitae), Labcorp
Classification: Pathogenic for Familial focal epilepsy with variable foci. Last evaluated: 2022-01-07. Review status: criteria provided, single submitter. Criteria: Invitae Variant Classification Sherloc (09022015). Collection method: clinical testing. Allele origin: germline.
Comment: For these reasons, this variant has been classified as Pathogenic. This variant has not been reported in the literature in individuals affected with DEPDC5-related conditions. This variant is not present in population databases (gnomAD no frequency). This sequence change creates a premature translational stop signal (p.Phe1330Ilefs*2) in the DEPDC5 gene. It is expected to result in an absent or disrupted protein product. Loss-of-function variants in DEPDC5 are known to be pathogenic (PMID: 23542697, 23542701).

Literature cited by the submitters: PubMed 23542697; PubMed 23542701.